The following is an entry in ClinVar:

NM_001170629.2(CHD8):c.4853T>C (p.Leu1618Pro)

Gene: CHD8 (chromodomain helicase DNA binding protein 8; minus strand). Cytogenetic location: 14q11.2.
Variant type: single nucleotide variant.
Coding change: c.4853T>C on transcript NM_001170629.2 (MANE Select); coding-DNA position 4853, T replaced by C.
Protein change: p.Leu1618Pro; replaces leucine 1618 with proline.
Molecular consequence: missense variant.
Genome position (GRCh38, 1-based): chr14:21,399,670, A>G on the plus strand (T>C on the coding strand, the complement: CHD8 is on the minus strand). VCF-style: chr14-21399670-A-G. GRCh37 (hg19) VCF-style: chr14-21867829-A-G.
Other names: c.4016T>C, p.Leu1339Pro (NM_020920.4); short protein forms L1339P, L1618P.
Identifiers: ClinVar variation 1956017 (VCV001956017.5), dbSNP rs756622875, ClinGen allele CA7091123.

ClinVar aggregate classification (germline): Uncertain significance (1 of 4 stars; one submission).

Allele frequency attached by ClinVar (database versions not stated): gnomAD exomes below 0.00001; ExAC 0.00001; TOPMed 0.00002; gnomAD 0.00003.
gnomAD v4.1: 6 of 1,613,612 alleles (0.00037%); highest among the groups gnomAD compares: African/African-American, 0.008%; no homozygotes.

Submission:

Labcorp Genetics (formerly Invitae), Labcorp
Classification: Uncertain significance. Last evaluated: 2022-02-19. Review status: criteria provided, single submitter. Criteria: Invitae Variant Classification Sherloc (09022015). Collection method: clinical testing. Allele origin: germline.
Comment: In summary, the available evidence is currently insufficient to determine the role of this variant in disease. Therefore, it has been classified as a Variant of Uncertain Significance. Algorithms developed to predict the effect of missense changes on protein structure and function are either unavailable or do not agree on the potential impact of this missense change (SIFT: "Tolerated"; PolyPhen-2: "Possibly Damaging"; Align-GVGD: "Class C0"). This variant has not been reported in the literature in individuals affected with CHD8-related conditions. This variant is present in population databases (rs756622875, gnomAD 0.008%). This sequence change replaces leucine, which is neutral and non-polar, with proline, which is neutral and non-polar, at codon 1618 of the CHD8 protein (p.Leu1618Pro).